The following is an entry in ClinVar:

ClinVar aggregate classification (germline): Likely benign. Review status: criteria provided, multiple submitters, no conflicts (2 of 4 stars). 3 submissions from 3 submitters: Likely benign (3). Last evaluated 2025-12-31.

Conditions:
Melnick-Needles syndrome (MNS). Also called: MELNICK-NEEDLES OSTEODYSPLASTY; Melnick-Needles Syndrome (FLNA-MNS); OSTEODYSPLASTY OF MELNICK AND NEEDLES. Identifiers: Orphanet 2484, MedGen C0025237, MONDO:0010650, OMIM 309350.
Frontometaphyseal dysplasia (FMD1). Identifiers: Orphanet 1826, MedGen C0265293, MONDO:0015942.
Heterotopia, periventricular, X-linked dominant (PVNH1). Also called: PERIVENTRICULAR NODULAR HETEROTOPIA 4; HETEROTOPIA, PERIVENTRICULAR, 1; PERIVENTRICULAR NODULAR HETEROTOPIA 1; X-linked periventricular heterotopia. Identifiers: Orphanet 2149, Orphanet 82004, MedGen C1848213, MONDO:0010233, OMIM 300049.
Oto-palato-digital syndrome, type II (OPD2). Also called: Otopalatodigital Syndrome Type 2 (FLNA-OPD2); FACIOPALATOOSSEOUS SYNDROME; OPD II SYNDROME; Otopalatodigital Syndrome, Type II. Identifiers: Orphanet 669, Orphanet 90652, MedGen C1844696, MONDO:0010571, OMIM 304120.
Familial thoracic aortic aneurysm and aortic dissection (TAAD). Also called: Thoracic aortic aneurysms and dissections. Identifiers: Orphanet 91387, MedGen C4707243, MONDO:0019625.

Allele frequency attached by ClinVar (database versions not stated): ExAC 0.00001; gnomAD 0.00001; gnomAD exomes 0.00001 and 0.00002.
gnomAD v4.1: 8 of 1,209,841 alleles (0.00066%); highest among the groups gnomAD compares: Non-Finnish European, 0.00089%; no homozygotes.

Submissions (3):

Labcorp Genetics (formerly Invitae), Labcorp
Classification: Likely benign for Oto-palato-digital syndrome, type II; Heterotopia, periventricular, X-linked dominant; Frontometaphyseal dysplasia; Melnick-Needles syndrome. Last evaluated: 2025-12-31. Review status: criteria provided, single submitter. Criteria: Invitae Variant Classification Sherloc (09022015). Collection method: clinical testing. Allele origin: germline.

Mayo Clinic Laboratories, Mayo Clinic
Classification: Likely benign. Last evaluated: 2025-06-17. Review status: criteria provided, single submitter. Criteria: ACMG Guidelines, 2015. Collection method: clinical testing. Allele origin: germline. Observed: 1 variant allele.
Comment: BP4, BP7

Ambry Genetics
Classification: Likely benign for Familial thoracic aortic aneurysm and aortic dissection. Last evaluated: 2023-05-18. Review status: criteria provided, single submitter. Criteria: Ambry Variant Classification Scheme 2023. Collection method: clinical testing. Allele origin: germline.

NM_001110556.2(FLNA):c.2706T>C (p.Ala902=)

Gene: FLNA (filamin A; minus strand). Cytogenetic location: Xq28.
Variant type: single nucleotide variant.
Coding change: c.2706T>C on transcript NM_001110556.2 (MANE Select); coding-DNA position 2706, T replaced by C.
Protein change: p.Ala902=; no amino-acid change (alanine 902 retained).
Molecular consequence: synonymous variant.
Genome position (GRCh38, 1-based): chrX:154,362,099, A>G on the plus strand (T>C on the coding strand, the complement: FLNA is on the minus strand). VCF-style: chrX-154362099-A-G. GRCh37 (hg19) VCF-style: chrX-153590467-A-G.
Other names: p.Ala902=; c.2706T>C, p.Ala902= (NM_001456.4).
Identifiers: ClinVar variation 533604 (VCV000533604.11), dbSNP rs781842762, ClinGen allele CA10560856.
Genomic context (GRCh38, chrX:154,362,099, plus strand): 5'-ATCTCGCACTGCATCCCCCTTGGTGAGTCCTGAGAACTGGACGTCCAGCTTGCCTTTGCC[A>G]GCAGCTTTGGCATTTACTGTGAAGTGGGTGGGCTTGCCAAGCTCGACACCTGAGGAACAC-3'
Protein context (NP_001104026.1, residues 892-912): PTHFTVNAKA[Ala902=]GKGKLDVQFS